The following is an entry in ClinVar:

NM_004329.3(BMPR1A):c.806C>G (p.Ala269Gly)

Gene: BMPR1A (bone morphogenetic protein receptor type 1A; plus strand). Cytogenetic location: 10q23.2.
Variant type: single nucleotide variant.
Coding change: c.806C>G on transcript NM_004329.3 (MANE Select); coding-DNA position 806, C replaced by G.
Protein change: p.Ala269Gly; replaces alanine 269 with glycine.
Molecular consequence: missense variant.
Genome position (GRCh38, 1-based): chr10:86,917,264, C>G. VCF-style: chr10-86917264-C-G. GRCh37 (hg19) VCF-style: chr10-88677021-C-G.
Other names: c.722C>G, p.Ala241Gly (NM_001406588.1, NM_001406584.1, NM_001406585.1 and 2 more transcripts); c.464C>G, p.Ala155Gly (NM_001406589.1); c.881C>G, p.Ala294Gly (NM_001406559.1); c.854C>G, p.Ala285Gly (NM_001406560.1); c.806C>G, p.Ala269Gly (NM_001406561.1, NM_001406562.1, NM_001406563.1 and 19 more transcripts); c.800C>G, p.Ala267Gly (NM_001406583.1); short protein forms A241G, A269G, A155G, A294G, A267G, A285G.
Identifiers: ClinVar variation 1761862 (VCV001761862.7), dbSNP rs1843587139, ClinGen allele CA377458329.

ClinVar aggregate classification (germline): Uncertain significance. Review status: criteria provided, multiple submitters, no conflicts (2 of 4 stars). 3 submissions from 3 submitters: Uncertain significance (3). Last evaluated 2025-07-17.

Conditions:
Juvenile polyposis syndrome (JPS). Identifiers: Orphanet 2929, MedGen C0345893, MONDO:0017380, OMIM 174900.
Polyposis syndrome, hereditary mixed, 2. Identifiers: Orphanet 157794, MedGen C1864730, MONDO:0012405, OMIM 610069.
Hereditary cancer-predisposing syndrome. Also called: Neoplastic Syndromes, Hereditary; Tumor predisposition; Hereditary neoplastic syndrome; Hereditary Cancer Syndrome. Identifiers: Orphanet 140162, MedGen C0027672, MeSH D009386, MONDO:0015356.

Submissions (3):

Ambry Genetics
Classification: Uncertain significance for Hereditary cancer-predisposing syndrome. Last evaluated: 2025-07-17. Review status: criteria provided, single submitter. Criteria: Ambry Variant Classification Scheme 2023. Collection method: clinical testing. Allele origin: germline.
Comment: The p.A269G variant (also known as c.806C>G), located in coding exon 7 of the BMPR1A gene, results from a C to G substitution at nucleotide position 806. The alanine at codon 269 is replaced by glycine, an amino acid with similar properties. This amino acid position is well conserved in available vertebrate species. In addition, the in silico prediction for this alteration is inconclusive. Based on the available evidence, the clinical significance of this variant remains unclear.

Labcorp Genetics (formerly Invitae), Labcorp
Classification: Uncertain significance for Juvenile polyposis syndrome. Last evaluated: 2023-10-04. Review status: criteria provided, single submitter. Criteria: Invitae Variant Classification Sherloc (09022015). Collection method: clinical testing. Allele origin: germline.
Comment: This sequence change replaces alanine, which is neutral and non-polar, with glycine, which is neutral and non-polar, at codon 269 of the BMPR1A protein (p.Ala269Gly). This variant is not present in population databases (gnomAD no frequency). This variant has not been reported in the literature in individuals affected with BMPR1A-related conditions. ClinVar contains an entry for this variant (Variation ID: 1761862). Advanced modeling of protein sequence and biophysical properties (such as structural, functional, and spatial information, amino acid conservation, physicochemical variation, residue mobility, and thermodynamic stability) has been performed at Invitae for this missense variant, however the output from this modeling did not meet the statistical confidence thresholds required to predict the impact of this variant on BMPR1A protein function. In summary, the available evidence is currently insufficient to determine the role of this variant in disease. Therefore, it has been classified as a Variant of Uncertain Significance.

Baylor Genetics
Classification: Uncertain significance for Polyposis syndrome, hereditary mixed, 2. Last evaluated: 2023-08-28. Review status: criteria provided, single submitter. Criteria: ACMG Guidelines, 2015. Collection method: clinical testing. Allele origin: unknown.